The following is an entry in ClinVar:

NM_000213.5(ITGB4):c.3338_3344del (p.Thr1113fs)

Gene: ITGB4 (integrin subunit beta 4; plus strand). Cytogenetic location: 17q25.1.
Variant type: Deletion.
Coding change: c.3338_3344del on transcript NM_000213.5 (MANE Select); coding-DNA positions 3338 to 3344, 7 bases deleted (CGAGTCA; older notation c.3338_3344delCGAGTCA).
Protein change: p.Thr1113fs; shifts the reading frame from threonine 1113.
Molecular consequence: frameshift variant.
Genome position (GRCh38, 1-based): chr17:75,750,132-75,750,138, CGAGTCA deleted; deleting any 7 consecutive bases within chr17:75,750,129-75,750,138 gives the same sequence; the c. name uses the placement nearest the transcript's 3' end. VCF-style (leftmost placement, unchanged base first): chr17-75750128-TTCACGAG-T. GRCh37 (hg19) VCF-style: chr17-73746209-TTCACGAG-T.
Other names: c.3338_3344delCGAGTCA, p.Thr1113Argfs (NM_001005619.2); c.3338_3344del, p.Thr1113fs (NM_001005731.3, NM_001321123.2); short protein forms T1113fs.
Identifiers: ClinVar variation 2863791 (VCV002863791.3), dbSNP rs2545834880, ClinGen allele CA2739265749.

ClinVar aggregate classification (germline): Pathogenic (1 of 4 stars; one submission).

Submission:

Labcorp Genetics (formerly Invitae), Labcorp
Classification: Pathogenic. Last evaluated: 2023-05-12. Review status: criteria provided, single submitter. Criteria: Invitae Variant Classification Sherloc (09022015). Collection method: clinical testing. Allele origin: germline.
Comment: For these reasons, this variant has been classified as Pathogenic. Algorithms developed to predict the effect of sequence changes on RNA splicing suggest that this variant may disrupt the consensus splice site. This variant has not been reported in the literature in individuals affected with ITGB4-related conditions. This variant is not present in population databases (gnomAD no frequency). This sequence change creates a premature translational stop signal (p.Thr1113Argfs*45) in the ITGB4 gene. It is expected to result in an absent or disrupted protein product. Loss-of-function variants in ITGB4 are known to be pathogenic (PMID: 11328943, 16473856).

Literature cited by the submitters: PubMed 11328943; PubMed 16473856.